The following is an entry in ClinVar:

ClinVar aggregate classification (germline): Likely benign. Review status: criteria provided, single submitter (1 of 4 stars). 2 submissions from 2 submitters: Likely benign (1). 1 of the submissions does not count toward it. Last evaluated 2022-11-01.

Conditions:
SARDH-related disorder. Also called: SARDH-related condition.

Allele frequency attached by ClinVar (database versions not stated): 1000 Genomes Project 30x 0.00031; ESP Exome Variant Server 0.00031; 1000 Genomes Project 0.00040; gnomAD 0.00051; TOPMed 0.00051.
gnomAD v4.1: 430 of 1,606,434 alleles (0.027%); highest among the groups gnomAD compares: African/African-American, 0.14%; 2 homozygotes.

Submissions (2):

CeGaT Center for Human Genetics Tuebingen
Classification: Likely benign. Last evaluated: 2022-11-01. Review status: criteria provided, single submitter. Criteria: CeGaT Center For Human Genetics Tuebingen Variant Classification Criteria Version 2. Collection method: clinical testing. Allele origin: germline. Affected: yes. Observed: 1 variant allele.
Comment: SARDH: BP4, BS2

PreventionGenetics, part of Exact Sciences
Classification: Likely benign for SARDH-related condition. Last evaluated: 2019-08-01. Review status: no assertion criteria provided. Collection method: clinical testing. Allele origin: germline. Not counted in ClinVar's aggregate classification.
Comment: This variant is classified as likely benign based on ACMG/AMP sequence variant interpretation guidelines (Richards et al. 2015 PMID: 25741868, with internal and published modifications).

NM_001134707.2(SARDH):c.1329-6C>T

Gene: SARDH (sarcosine dehydrogenase; minus strand). Cytogenetic location: 9q34.2.
Variant type: single nucleotide variant.
Coding change: c.1329-6C>T on transcript NM_001134707.2 (MANE Select); 6 bases into the intron before coding-DNA position 1329, C replaced by T.
Molecular consequence: intron variant.
Genome position (GRCh38, 1-based): chr9:133,708,434, G>A on the plus strand (C>T on the coding strand, the complement: SARDH is on the minus strand). VCF-style: chr9-133708434-G-A. GRCh37 (hg19) VCF-style: chr9-136573556-G-A.
Other names: c.1329-6C>T (NM_007101.4, NM_007101.3).
Identifiers: ClinVar variation 2659697 (VCV002659697.25), dbSNP rs112348999, ClinGen allele CA5314339.